The following is an entry in ClinVar:

ClinVar aggregate classification (germline): Uncertain significance (1 of 4 stars; one submission).

Submission:

Ambry Genetics
Classification: Uncertain significance. Last evaluated: 2022-09-30. Review status: criteria provided, single submitter. Criteria: Ambry Variant Classification Scheme 2023. Collection method: clinical testing. Allele origin: germline.
Comment: The p.I312V variant (also known as c.934A>G), located in coding exon 11 of the NPAT gene, results from an A to G substitution at nucleotide position 934. The isoleucine at codon 312 is replaced by valine, an amino acid with highly similar properties. This amino acid position is conserved. In addition, this alteration is predicted to be tolerated by in silico analysis. Since supporting evidence is limited at this time, the clinical significance of this alteration remains unclear.

NM_002519.3(NPAT):c.934A>G (p.Ile312Val)

Gene: NPAT (nuclear protein, coactivator of histone transcription; minus strand). Cytogenetic location: 11q22.3.
Variant type: single nucleotide variant.
Coding change: c.934A>G on transcript NM_002519.3 (MANE Select); coding-DNA position 934, A replaced by G.
Protein change: p.Ile312Val; replaces isoleucine 312 with valine.
Molecular consequence: missense variant.
Genome position (GRCh38, 1-based): chr11:108,177,063, T>C on the plus strand (A>G on the coding strand, the complement: NPAT is on the minus strand). VCF-style: chr11-108177063-T-C. GRCh37 (hg19) VCF-style: chr11-108047790-T-C.
Other names: c.934A>G, p.Ile312Val (NM_001321307.1); short protein forms I312V.
Identifiers: ClinVar variation 1766647 (VCV001766647.2), dbSNP rs769067898, ClinGen allele CA382517343.
Genomic context (GRCh38, chr11:108,177,063, plus strand): 5'-AGAGATCAAAGAGTGCCTGAAATGCTGGGTCTGATTCTGTCTGTTCCAATATGTCCTGTA[T>C]AGCTTCTTCAGACATGTGAATTTCACTCTGCAAGAAAGGAGTGGCGTGAAGGCATGATTC-3'
Protein context (NP_002510.2, residues 302-322): PSEIHMSEEA[Ile312Val]QDILEQTESD